The following is an entry in ClinVar:

NM_000540.3(RYR1):c.10441-15G>A

Gene: RYR1 (ryanodine receptor 1; plus strand). Cytogenetic location: 19q13.2.
Variant type: single nucleotide variant.
Coding change: c.10441-15G>A on transcript NM_000540.3 (MANE Select); 15 bases into the intron before coding-DNA position 10441, G replaced by A.
Molecular consequence: intron variant.
Genome position (GRCh38, 1-based): chr19:38,523,900, G>A. VCF-style: chr19-38523900-G-A. GRCh37 (hg19) VCF-style: chr19-39014540-G-A.
Other names: c.10440+591G>A (NM_001042723.2).
Identifiers: ClinVar variation 3074442 (VCV003074442.1), dbSNP rs1477906521, ClinGen allele CA632878194.

ClinVar aggregate classification (germline): Uncertain significance (1 of 4 stars; one submission).

Conditions:
Malignant hyperthermia, susceptibility to, 1 (MHS1). Also called: Anesthesia related hyperthermia; Malignant hyperpyrexia; Fulminating hyperpyrexia; Pharmacogenic myopathy; RYR1-Related Malignant Hyperthermia Susceptibility; Malignant hyperthermia suceptibility 1. Identifiers: Orphanet 423, MedGen C2930980, MONDO:0007783, OMIM 145600.

Allele frequency attached by ClinVar (database versions not stated): gnomAD 0.00001.
gnomAD v4.1: 3 of 1,613,850 alleles (0.00019%); highest among the groups gnomAD compares: Admixed American, 0.0017%; no homozygotes.

Submission:

All of Us Research Program, National Institutes of Health
Classification: Uncertain significance for Malignant hyperthermia, susceptibility to, 1. Last evaluated: 2023-11-20. Review status: criteria provided, single submitter. Criteria: ACMG Guidelines, 2015. Collection method: clinical testing. Allele origin: germline. Inheritance: Autosomal dominant inheritance. Observed: 1 variant allele, 1 heterozygote.
Comment: This variant causes a G to A nucleotide substitution at the -15 position of intron 69 of the RYR1 gene. Splice site prediction tools predict that this variant may have a significant impact on RNA splicing. To our knowledge, functional studies have not been reported for this variant. This variant has not been reported in individuals affected with RYR1-related disorders in the literature. This variant has been identified in 1/251124 chromosomes in the general population by the Genome Aggregation Database (gnomAD). The available evidence is insufficient to determine the role of this variant in disease conclusively. Therefore, this variant is classified as a Variant of Uncertain Significance.

This study involves interpretation of variants in research participants for the purpose of population health screening. Participant phenotype was not available at the time of variant classification. Additional details can be found in publication PMID: 35346344, PMCID: PMC8962531